The following is an entry in ClinVar:

ClinVar aggregate classification (germline): Conflicting classifications of pathogenicity. Review status: criteria provided, conflicting classifications (1 of 4 stars). 2 submissions from 2 submitters: Uncertain significance (1); Likely benign (1). Last evaluated 2025-11-06.

Conditions:
Severe myoclonic epilepsy in infancy (DRVT). Also called: SEVERE MYOCLONIC EPILEPSY OF INFANCY; DEVELOPMENTAL AND EPILEPTIC ENCEPHALOPATHY 6A; Severe Myoclonic Epilepsy in Infancy (SMEI); Epileptic encephalopathy, early infantile, 6 (Dravet syndrome); Dravet syndrome. Identifiers: Orphanet 33069, MedGen C0751122, MONDO:0100135, OMIM 607208.
Inborn genetic diseases. Identifiers: MedGen C0950123, MeSH D030342.

Allele frequency attached by ClinVar (database versions not stated): ExAC 0.00002; gnomAD 0.00002; gnomAD exomes 0.00002 and 0.00005; TOPMed 0.00002; ESP Exome Variant Server 0.00008.
gnomAD v4.1: 76 of 1,608,350 alleles (0.0047%); highest among the groups gnomAD compares: Non-Finnish European, 0.0058%; no homozygotes.

Submissions (2):

Labcorp Genetics (formerly Invitae), Labcorp
Classification: Likely benign for Severe myoclonic epilepsy in infancy. Last evaluated: 2025-11-06. Review status: criteria provided, single submitter. Criteria: Invitae Variant Classification Sherloc (09022015). Collection method: clinical testing. Allele origin: germline.

Ambry Genetics
Classification: Uncertain significance for Inborn genetic diseases. Last evaluated: 2021-01-15. Review status: criteria provided, single submitter. Criteria: Ambry Variant Classification Scheme 2023. Collection method: clinical testing. Allele origin: germline.
Comment: The c.802-4C>T intronic alteration consists of a C to T substitution 4 nucleotides before exon 5 (coding exon 5) of the SNX27 gene. Based on insufficient or conflicting evidence, the clinical significance of this alteration remains unclear.

NM_001330723.2(SNX27):c.802-4C>T

Gene: SNX27 (sorting nexin 27; plus strand). Cytogenetic location: 1q21.3.
Variant type: single nucleotide variant.
Coding change: c.802-4C>T on transcript NM_001330723.2 (MANE Select); 4 bases into the intron before coding-DNA position 802, C replaced by T.
Molecular consequence: intron variant.
Genome position (GRCh38, 1-based): chr1:151,662,162, C>T. VCF-style: chr1-151662162-C-T. GRCh37 (hg19) VCF-style: chr1-151634638-C-T.
Other names: c.802-4C>T (NM_030918.5, NM_030918.6).
Identifiers: ClinVar variation 1078569 (VCV001078569.10), dbSNP rs373727297, ClinGen allele CA1093500.